The following is an entry in ClinVar:

ClinVar aggregate classification (germline): Pathogenic/Likely pathogenic. Review status: criteria provided, multiple submitters, no conflicts (2 of 4 stars). 8 submissions from 8 submitters: Pathogenic (2); Likely pathogenic (3). 3 of the submissions do not count toward it. Last evaluated 2026-01-12.

Conditions:
SKIN/HAIR/EYE PIGMENTATION 3, LIGHT/DARK SKIN (SHEP3). Also called: SKIN/HAIR/EYE PIGMENTATION 3, BLUE/GREEN EYE COLOR; SKIN/HAIR/EYE PIGMENTATION 3, FRECKLING; SKIN/HAIR/EYE PIGMENTATION, VARIATION IN, 3; EYE COLOR 1; EYE COLOR, GREEN/BLUE. Identifiers: MedGen C2677190, OMIM 601800.
Oculocutaneous albinism type 1A (OCA1A). Also called: Albinism, oculocutaneous, type IA. Identifiers: Orphanet 352731, Orphanet 79431, MedGen C4551504, MONDO:0008745, OMIM 203100. Disease mechanism: loss of function.
Oculocutaneous albinism type 1B (OCA1B). Also called: ALBINISM, YELLOW MUTANT TYPE; ALBINISM, OCULOCUTANEOUS, TYPE IB; YELLOW ALBINISM. Identifiers: Orphanet 352731, Orphanet 352737, Orphanet 79434, MedGen C1847024, MONDO:0011749, OMIM 606952.
TYR-related disorder. Also called: TYR-related condition.
Oculocutaneous albinism. Identifiers: Orphanet 55, MedGen C0078918, MONDO:0018910.

Allele frequency attached by ClinVar (database versions not stated): gnomAD exomes below 0.00001 and 0.00001; ExAC 0.00002.
gnomAD v4.1: 6 of 1,613,690 alleles (0.00037%); highest among the groups gnomAD compares: Non-Finnish European, 0.00042%; no homozygotes.

Submissions (8):

Labcorp Genetics (formerly Invitae), Labcorp
Classification: Pathogenic. Last evaluated: 2026-01-12. Review status: criteria provided, single submitter. Criteria: Invitae Variant Classification Sherloc (09022015). Collection method: clinical testing. Allele origin: germline.
Comment: This sequence change replaces asparagine, which is neutral and polar, with threonine, which is neutral and polar, at codon 371 of the TYR protein (p.Asn371Thr). This variant is present in population databases (rs61754387, gnomAD 0.002%). This missense change has been observed in individual(s) with oculocutaneous albinism (PMID: 29345414). In at least one individual the data is consistent with being in trans (on the opposite chromosome) from a pathogenic variant. It has also been observed to segregate with disease in related individuals. ClinVar contains an entry for this variant (Variation ID: 3798). Invitae Evidence Modeling of protein sequence and biophysical properties (such as structural, functional, and spatial information, amino acid conservation, physicochemical variation, residue mobility, and thermodynamic stability) indicates that this missense variant is expected to disrupt TYR protein function with a positive predictive value of 95%. This variant disrupts the p.Asn371 amino acid residue in TYR. Other variant(s) that disrupt this residue have been determined to be pathogenic (PMID: 29345414). This suggests that this residue is clinically significant, and that variants that disrupt this residue are likely to be disease-causing. For these reasons, this variant has been classified as Pathogenic.

GeneDx
Classification: Pathogenic. Last evaluated: 2025-07-08. Review status: criteria provided, single submitter. Criteria: GeneDx Variant Classification Process June 2021. Collection method: clinical testing. Allele origin: germline. Affected: yes.
Comment: Not observed at significant frequency in large population cohorts (gnomAD); In silico analysis supports that this missense variant has a deleterious effect on protein structure/function; This variant is associated with the following publications: (PMID: 32966289, 1676041, 13680365, 23085273, 1642278, 8434585)

Women's Health and Genetics/Laboratory Corporation of America, LabCorp
Classification: Likely pathogenic for Oculocutaneous albinism. Last evaluated: 2024-03-22. Review status: criteria provided, single submitter. Criteria: LabCorp Variant Classification Summary - May 2015. Collection method: clinical testing. Allele origin: germline.
Comment: Variant summary: TYR c.1112A>C (p.Asn371Thr) results in a non-conservative amino acid change located in the Tyrosinase copper-binding domain (IPR002227) of the encoded protein sequence. Five of five in-silico tools predict a damaging effect of the variant on protein function. The variant allele was found at a frequency of 8e-06 in 250990 control chromosomes (gnomAD). c.1112A>C has been reported in the literature in individuals affected with Oculocutaneous Albinism (Oetting_1991, King_2003). These data indicate that the variant may be associated with disease. Another missense changer affecting this residue (p.Asn371Tyr) has been determined to be pathogenic, suggesting this is a functionally important residue. To our knowledge, no experimental evidence demonstrating an impact on protein function has been reported. The following publications have been ascertained in the context of this evaluation (PMID: 1642278, 8434585, 13680365, 1676041). ClinVar contains an entry for this variant (Variation ID: 3798). Based on the evidence outlined above, the variant was classified as likely pathogenic.

Fulgent Genetics
Classification: Likely pathogenic for Oculocutaneous albinism type 1A; SKIN/HAIR/EYE PIGMENTATION 3, LIGHT/DARK SKIN; Oculocutaneous albinism type 1B. Last evaluated: 2024-03-20. Review status: criteria provided, single submitter. Criteria: ACMG Guidelines, 2015. Collection method: clinical testing. Allele origin: germline.

Blueprint Genetics
Classification: Likely pathogenic for TYR-related disorders. Last evaluated: 2022-10-28. Review status: criteria provided, single submitter. Criteria: ACMG Guidelines, 2015. Collection method: clinical testing. Allele origin: germline. Affected: yes. Observed: 1 variant allele.

PreventionGenetics, part of Exact Sciences
Classification: Likely pathogenic for TYR-related condition. Last evaluated: 2024-08-26. Review status: no assertion criteria provided. Collection method: clinical testing. Allele origin: germline. Not counted in ClinVar's aggregate classification.
Comment: The TYR c.1112A>C variant is predicted to result in the amino acid substitution p.Asn371Thr. This variant has been reported in an individual with oculocutaneous albinism (Figure 2, Oetting et al. 1993. PubMed ID: 8434585). An alternate substitution of this amino acid (p.Asn371Tyr) has been reported many times in individuals with oculocutaneous albinism (Table S1, Lasseaux et al. 2018. PubMed ID: 29345414). This variant is reported in 0.0018% of alleles in individuals of European (Non-Finnish) descent in gnomAD. Given the evidence, we interpret this variant as likely pathogenic.

OMIM
Classification: Pathogenic for ALBINISM, OCULOCUTANEOUS, TYPE IA. Last evaluated: 1992-07-15. Review status: no assertion criteria provided. Collection method: literature only. Allele origin: germline. Not counted in ClinVar's aggregate classification.

Retina International
No classification provided. Review status: no classification provided. Collection method: not provided. Allele origin: not provided. Not counted in ClinVar's aggregate classification.

Literature cited by the submitters: PubMed 29345414 (cited by Labcorp Genetics (formerly Invitae), Labcorp); PubMed 13680365 (cited by Women's Health and Genetics/Laboratory Corporation of America, LabCorp); PubMed 1642278 (cited by Women's Health and Genetics/Laboratory Corporation of America, LabCorp and OMIM); PubMed 8434585 (cited by Women's Health and Genetics/Laboratory Corporation of America, LabCorp); PubMed 1676041 (cited by Women's Health and Genetics/Laboratory Corporation of America, LabCorp).

NM_000372.5(TYR):c.1112A>C (p.Asn371Thr)

Gene: TYR (tyrosinase; plus strand). Cytogenetic location: 11q14.3.
Variant type: single nucleotide variant.
Coding change: c.1112A>C on transcript NM_000372.5 (MANE Select); coding-DNA position 1112, A replaced by C.
Protein change: p.Asn371Thr; replaces asparagine 371 with threonine.
Molecular consequence: missense variant.
Genome position (GRCh38, 1-based): chr11:89,227,898, A>C. VCF-style: chr11-89227898-A-C. GRCh37 (hg19) VCF-style: chr11-88961066-A-C.
Other names: short protein forms N371T.
Identifiers: ClinVar variation 3798 (VCV000003798.15), dbSNP rs61754387, ClinGen allele CA227499.